The following is an entry in ClinVar:

NM_003126.4(SPTA1):c.6533C>T (p.Ala2178Val)

Gene: SPTA1 (spectrin alpha, erythrocytic 1; minus strand). Cytogenetic location: 1q23.1.
Variant type: single nucleotide variant.
Coding change: c.6533C>T on transcript NM_003126.4 (MANE Select); coding-DNA position 6533, C replaced by T.
Protein change: p.Ala2178Val; replaces alanine 2178 with valine.
Molecular consequence: missense variant.
Genome position (GRCh38, 1-based): chr1:158,618,054, G>A on the plus strand (C>T on the coding strand, the complement: SPTA1 is on the minus strand). VCF-style: chr1-158618054-G-A. GRCh37 (hg19) VCF-style: chr1-158587844-G-A.
Other names: p.Ala2178Val; c.6533C>T (NM_003126.2); short protein forms A2178V.
Identifiers: ClinVar variation 2079306 (VCV002079306.10), dbSNP rs115466520, ClinGen allele CA1181947.

ClinVar aggregate classification (germline): Conflicting classifications of pathogenicity. Review status: criteria provided, conflicting classifications (1 of 4 stars). 5 submissions from 5 submitters: Uncertain significance (2); Benign (1); Likely benign (1). 1 of the submissions does not count toward it. Last evaluated 2026-01-09.

Conditions:
SPTA1-related disorder. Also called: SPTA1-related disorders; SPTA1-related condition.

Allele frequency attached by ClinVar (database versions not stated): ExAC 0.00046; gnomAD 0.00144; ESP Exome Variant Server 0.00169; TOPMed 0.00177; 1000 Genomes Project 0.00220; 1000 Genomes Project 30x 0.00265.
gnomAD v4.1: 422 of 1,611,652 alleles (0.026%); highest among the groups gnomAD compares: African/African-American, 0.51%; 2 homozygotes.

Submissions (5):

Labcorp Genetics (formerly Invitae), Labcorp
Classification: Benign. Last evaluated: 2026-01-09. Review status: criteria provided, single submitter. Criteria: Invitae Variant Classification Sherloc (09022015). Collection method: clinical testing. Allele origin: germline.

Ambry Genetics
Classification: Uncertain significance. Last evaluated: 2025-08-26. Review status: criteria provided, single submitter. Criteria: Ambry Variant Classification Scheme 2023. Collection method: clinical testing. Allele origin: germline.

Mayo Clinic Laboratories, Mayo Clinic
Classification: Likely benign. Last evaluated: 2024-11-20. Review status: criteria provided, single submitter. Criteria: ACMG Guidelines, 2015. Collection method: clinical testing. Allele origin: germline. Observed: 5 variant alleles.

ARUP Laboratories, Molecular Genetics and Genomics, ARUP Laboratories
Classification: Uncertain significance. Last evaluated: 2024-01-26. Review status: criteria provided, single submitter. Criteria: ARUP Molecular Germline Variant Investigation Process 2024. Collection method: clinical testing. Allele origin: germline.

PreventionGenetics, part of Exact Sciences
Classification: Likely benign for SPTA1-related condition. Last evaluated: 2022-04-12. Review status: no assertion criteria provided. Collection method: clinical testing. Allele origin: germline. Not counted in ClinVar's aggregate classification.
Comment: This variant is classified as likely benign based on ACMG/AMP sequence variant interpretation guidelines (Richards et al. 2015 PMID: 25741868, with internal and published modifications).